The following is an entry in ClinVar:

NM_021784.5(FOXA2):c.*6C>T

Gene: FOXA2 (forkhead box A2; minus strand). Cytogenetic location: 20p11.21.
Variant type: single nucleotide variant.
Coding change: c.*6C>T on transcript NM_021784.5 (MANE Select); 6 bases downstream of the stop codon, C replaced by T.
Molecular consequence: 3 prime UTR variant.
Genome position (GRCh38, 1-based): chr20:22,581,844, G>A on the plus strand (C>T on the coding strand, the complement: FOXA2 is on the minus strand). VCF-style: chr20-22581844-G-A. GRCh37 (hg19) VCF-style: chr20-22562482-G-A.
Other names: c.*6C>T (NM_153675.3).
Identifiers: ClinVar variation 1338703 (VCV001338703.29), dbSNP rs200967462, ClinGen allele CA9786854.

ClinVar aggregate classification (germline): Likely benign. Review status: criteria provided, multiple submitters, no conflicts (2 of 4 stars). 3 submissions from 3 submitters: Likely benign (2). 1 of the submissions does not count toward it. Last evaluated 2023-01-01.

Conditions:
FOXA2-related disorder. Also called: FOXA2-related condition.

Allele frequency attached by ClinVar (database versions not stated): 1000 Genomes Project 30x 0.00031; 1000 Genomes Project 0.00040; ExAC 0.00175; gnomAD exomes 0.00183 and 0.00332; gnomAD 0.00206 and 0.00213; ESP Exome Variant Server 0.00211; TOPMed 0.00214.

Submissions (3):

CeGaT Center for Human Genetics Tuebingen
Classification: Likely benign. Last evaluated: 2023-01-01. Review status: criteria provided, single submitter. Criteria: CeGaT Center For Human Genetics Tuebingen Variant Classification Criteria Version 2. Collection method: clinical testing. Allele origin: germline. Affected: yes. Observed: 1 variant allele.
Comment: FOXA2: BS2

Genetic Services Laboratory, University of Chicago
Classification: Likely benign. Last evaluated: 2021-08-11. Review status: criteria provided, single submitter. Criteria: ACMG Guidelines, 2015. Collection method: clinical testing. Allele origin: germline. Affected: no.

PreventionGenetics, part of Exact Sciences
Classification: Likely benign for FOXA2-related condition. Last evaluated: 2019-03-18. Review status: no assertion criteria provided. Collection method: clinical testing. Allele origin: germline. Not counted in ClinVar's aggregate classification.
Comment: This variant is classified as likely benign based on ACMG/AMP sequence variant interpretation guidelines (Richards et al. 2015 PMID: 25741868, with internal and published modifications).